The following is an entry in ClinVar:

ClinVar aggregate classification (germline): Uncertain significance (1 of 4 stars; one submission).

Conditions:
Cardiovascular phenotype. Identifiers: MedGen CN230736.

Submission:

Ambry Genetics
Classification: Uncertain significance for Cardiovascular phenotype. Last evaluated: 2023-04-17. Review status: criteria provided, single submitter. Criteria: Ambry Variant Classification Scheme 2023. Collection method: clinical testing. Allele origin: germline.
Comment: The p.A381G variant (also known as c.1142C>G), located in coding exon 1 of the KCNJ2 gene, results from a C to G substitution at nucleotide position 1142. The alanine at codon 381 is replaced by glycine, an amino acid with similar properties. This amino acid position is highly conserved in available vertebrate species. In addition, the in silico prediction for this alteration is inconclusive. Since supporting evidence is limited at this time, the clinical significance of this alteration remains unclear.

NM_000891.3(KCNJ2):c.1142C>G (p.Ala381Gly)

Gene: KCNJ2 (potassium inwardly rectifying channel subfamily J member 2; plus strand). Cytogenetic location: 17q24.3.
Variant type: single nucleotide variant.
Coding change: c.1142C>G on transcript NM_000891.3 (MANE Select); coding-DNA position 1142, C replaced by G.
Protein change: p.Ala381Gly; replaces alanine 381 with glycine.
Molecular consequence: missense variant.
Genome position (GRCh38, 1-based): chr17:70,176,181, C>G. VCF-style: chr17-70176181-C-G. GRCh37 (hg19) VCF-style: chr17-68172322-C-G.
Other names: short protein forms A381G.
Identifiers: ClinVar variation 2566711 (VCV002566711.2), dbSNP rs2509921783, ClinGen allele CA400863702.